The following is an entry in ClinVar:

ClinVar aggregate classification (germline): Pathogenic. Review status: criteria provided, single submitter (1 of 4 stars). 2 submissions from 2 submitters: Pathogenic (1). 1 of the submissions does not count toward it. Last evaluated 2023-09-07.

Conditions:
Fanconi anemia (FA). Also called: Fanconi's anemia. Identifiers: Orphanet 84, MedGen C0015625, MeSH D005199, MONDO:0019391.
Fanconi anemia complementation group A (FANCA). Also called: Fanconi anemia, group A; FANCA-Related Fanconi Anemia. Identifiers: Orphanet 84, MedGen C3469521, MONDO:0009215, OMIM 227650.

Submissions (2):

Labcorp Genetics (formerly Invitae), Labcorp
Classification: Pathogenic for Fanconi anemia. Last evaluated: 2023-09-07. Review status: criteria provided, single submitter. Criteria: Invitae Variant Classification Sherloc (09022015). Collection method: clinical testing. Allele origin: germline.
Comment: This premature translational stop signal has been observed in individual(s) with clinical features of Fanconi anemia (PMID: 15523645). This sequence change creates a premature translational stop signal (p.Ser1414Leufs*10) in the FANCA gene. While this is not anticipated to result in nonsense mediated decay, it is expected to disrupt the last 42 amino acid(s) of the FANCA protein. This variant is not present in population databases (gnomAD no frequency). ClinVar contains an entry for this variant (Variation ID: 974172). This variant disrupts a region of the FANCA protein in which other variant(s) (p.Asp1427Thrfs*6) have been determined to be pathogenic (PMID: 11091222; Invitae). This suggests that this is a clinically significant region of the protein, and that variants that disrupt it are likely to be disease-causing. For these reasons, this variant has been classified as Pathogenic.

Leiden Open Variation Database
Classification: Pathogenic for Fanconi anemia complementation group A. Last evaluated: 2020-02-28. Review status: no assertion criteria provided. Collection method: curation. Allele origin: germline. Affected: yes. Not counted in ClinVar's aggregate classification.
Comment: Curator: Arleen D. Auerbach. Submitter to LOVD: Arleen D. Auerbach.

Literature cited by the submitters: PubMed 15523645 (cited by Labcorp Genetics (formerly Invitae), Labcorp and Leiden Open Variation Database); PubMed 11091222 (cited by Labcorp Genetics (formerly Invitae), Labcorp).

NM_000135.4(FANCA):c.4240_4241del (p.Ser1414fs)

Genes: ZNF276 (zinc finger protein 276; plus strand), FANCA (FA complementation group A; minus strand). Cytogenetic location: 16q24.3.
Variant type: Microsatellite.
Coding change: c.4240_4241del on transcript NM_000135.4 (MANE Select); coding-DNA positions 4240 to 4241, 2 bases deleted (AG; older notation c.4240_4241delAG).
Protein change: p.Ser1414fs; shifts the reading frame from serine 1414.
Molecular consequence: frameshift variant. On other transcripts: 3 prime UTR variant (2), non-coding transcript variant (4).
Genome position (GRCh38, 1-based): chr16:89,738,901-89,738,902, CT deleted on the plus strand (AG on the coding strand, the reverse complement: FANCA is on the minus strand); deleting any 2 consecutive bases within chr16:89,738,901-89,738,904 gives the same sequence; the c. name uses the placement nearest the transcript's 3' end. VCF-style (leftmost placement, unchanged base first): chr16-89738900-GCT-G. GRCh37 (hg19) VCF-style: chr16-89805308-GCT-G.
Other names: c.4240_4241del (NM_000135.2); c.4238_4239AG[1], p.Ser1414Leufs (NM_000135.2); c.4244_4245del, p.Glu1415fs (NM_001286167.3); c.*655CT[1] (NM_001113525.2, NM_152287.4); short protein forms E1415fs, S1414fs.
Identifiers: ClinVar variation 974172 (VCV000974172.6), dbSNP rs2062043035, ClinGen allele CA1139664942.
Genomic context (GRCh38, chr16:89,738,900, plus strand): 5'-TCATGTCCCCCACATGGCCCAAGGTGGGCATCTTGACGTTACCTCTGCCACGTGTGAGAA[GCT>G]CTTTTTCGGGCACCGAGGTATTAACTGCAGCAGAAAAAGACGAGCTTTTGTTATCAGTTC-3'